The following is an entry in ClinVar:

NM_001429.4(EP300):c.2609C>T (p.Pro870Leu)

Gene: EP300 (EP300 lysine acetyltransferase; plus strand). Cytogenetic location: 22q13.2.
Variant type: single nucleotide variant.
Coding change: c.2609C>T on transcript NM_001429.4 (MANE Select); coding-DNA position 2609, C replaced by T.
Protein change: p.Pro870Leu; replaces proline 870 with leucine.
Molecular consequence: missense variant.
Genome position (GRCh38, 1-based): chr22:41,149,990, C>T. VCF-style: chr22-41149990-C-T. GRCh37 (hg19) VCF-style: chr22-41545994-C-T.
Other names: c.2531C>T, p.Pro844Leu (NM_001362843.2); short protein forms P870L, P844L.
Identifiers: ClinVar variation 341797 (VCV000341797.22), dbSNP rs540935486, ClinGen allele CA10252908.
Genomic context (GRCh38, chr22:41,149,990, plus strand): 5'-GGGCTCAGCAGCCACCAGCAACAACAATTCCAGCCCCTGTTCCTACACCTCCTGCCATGC[C>T]ACCTGGGCCACAGTCCCAGGCTCTACATCCCCCTCCAAGGCAGACACCTACACCACCAAC-3'
Protein context (NP_001420.2, residues 860-880): PAPVPTPPAM[Pro870Leu]PGPQSQALHP

ClinVar aggregate classification (germline): Benign/Likely benign. Review status: criteria provided, multiple submitters, no conflicts (2 of 4 stars). 7 submissions from 7 submitters: Benign (1); Likely benign (2). 4 of the submissions do not count toward it. Last evaluated 2024-12-02.

Conditions:
EP300-related disorder. Also called: EP300-related disorders; EP300-related condition.
Rubinstein-Taybi syndrome due to EP300 haploinsufficiency. Also called: EP300-Related Rubinstein-Taybi Syndrome; RUBINSTEIN-TAYBI SYNDROME 2. Identifiers: Orphanet 353284, Orphanet 783, MedGen C3150941, MONDO:0013364, OMIM 613684.

Allele frequency attached by ClinVar (database versions not stated): gnomAD 0.00001 and 0.00009; TOPMed 0.00003; 1000 Genomes Project 30x 0.00016; 1000 Genomes Project 0.00020; gnomAD exomes 0.00020 and 0.00035; ExAC 0.00033.
gnomAD v4.1: 304 of 1,614,116 alleles (0.019%); highest among the groups gnomAD compares: South Asian, 0.32%; 3 homozygotes.

Submissions (7):

Labcorp Genetics (formerly Invitae), Labcorp
Classification: Likely benign for Rubinstein-Taybi syndrome due to EP300 haploinsufficiency. Last evaluated: 2024-12-02. Review status: criteria provided, single submitter. Criteria: Invitae Variant Classification Sherloc (09022015). Collection method: clinical testing. Allele origin: germline.

Blueprint Genetics
Classification: Likely benign. Last evaluated: 2024-11-28. Review status: criteria provided, single submitter. Criteria: ACMG Guidelines, 2015. Collection method: clinical testing. Allele origin: germline.

GeneDx
Classification: Benign. Last evaluated: 2020-06-24. Review status: criteria provided, single submitter. Criteria: GeneDx Variant Classification Process June 2021. Collection method: clinical testing. Allele origin: germline. Affected: yes.

Genetic Services Laboratory, University of Chicago
Classification: Benign. Last evaluated: 2022-05-18. Review status: no assertion criteria provided. Collection method: clinical testing. Allele origin: germline. Affected: no. Not counted in ClinVar's aggregate classification.

PreventionGenetics, part of Exact Sciences
Classification: Likely benign for EP300-related condition. Last evaluated: 2022-03-03. Review status: no assertion criteria provided. Collection method: clinical testing. Allele origin: germline. Not counted in ClinVar's aggregate classification.
Comment: This variant is classified as likely benign based on ACMG/AMP sequence variant interpretation guidelines (Richards et al. 2015 PMID: 25741868, with internal and published modifications).

Clinical Genetics DNA and cytogenetics Diagnostics Lab, Erasmus MC, Erasmus Medical Center
Classification: Likely benign. Review status: no assertion criteria provided. Collection method: clinical testing. Allele origin: germline. Affected: yes. Study: VKGL Data-share Consensus. Not counted in ClinVar's aggregate classification.

Laboratory of Diagnostic Genome Analysis, Leiden University Medical Center (LUMC)
Classification: Likely benign. Review status: no assertion criteria provided. Collection method: clinical testing. Allele origin: germline. Affected: yes. Study: VKGL Data-share Consensus. Not counted in ClinVar's aggregate classification.